The following is an entry in ClinVar:

ClinVar aggregate classification (germline): Likely benign (0 of 4 stars; one submission).

Conditions:
MCM6-related disorder. Also called: MCM6-related condition.

Allele frequency attached by ClinVar (database versions not stated): 1000 Genomes Project 0.00020; 1000 Genomes Project 30x 0.00031; ESP Exome Variant Server 0.00038; gnomAD 0.00040; TOPMed 0.00059; ExAC 0.00076.
gnomAD v4.1: 804 of 1,614,034 alleles (0.05%); highest among the groups gnomAD compares: Admixed American, 0.26%; 2 homozygotes.

Submission:

PreventionGenetics, part of Exact Sciences
Classification: Likely benign for MCM6-related condition. Last evaluated: 2019-05-15. Review status: no assertion criteria provided. Collection method: clinical testing. Allele origin: germline.
Comment: This variant is classified as likely benign based on ACMG/AMP sequence variant interpretation guidelines (Richards et al. 2015 PMID: 25741868, with internal and published modifications).

NM_005915.6(MCM6):c.407G>A (p.Arg136His)

Gene: MCM6 (minichromosome maintenance complex component 6; minus strand). Cytogenetic location: 2q21.3.
Variant type: single nucleotide variant.
Coding change: c.407G>A on transcript NM_005915.6 (MANE Select); coding-DNA position 407, G replaced by A.
Protein change: p.Arg136His; replaces arginine 136 with histidine.
Molecular consequence: missense variant.
Genome position (GRCh38, 1-based): chr2:135,868,819, C>T on the plus strand (G>A on the coding strand, the complement: MCM6 is on the minus strand). VCF-style: chr2-135868819-C-T. GRCh37 (hg19) VCF-style: chr2-136626389-C-T.
Other names: short protein forms R136H.
Identifiers: ClinVar variation 3041793 (VCV003041793.2), dbSNP rs201215953, ClinGen allele CA1889275.
Genomic context (GRCh38, chr2:135,868,819, plus strand): 5'-AAAGTTCCGCTCACAAGCTCTGGGTGAACTGGGTGAGTCCGCACCACCTGCCCACTGATG[C>T]GAGTGAGCAAACCAATTCTGGATGAGGTGAGCTCTCGAATCCTGTTTAAAGACAAATGTC-3'
Protein context (NP_005906.2, residues 126-146): LTSSRIGLLT[Arg136His]ISGQVVRTHP